The following is an entry in ClinVar:

NM_002439.5(MSH3):c.3128C>T (p.Pro1043Leu)

Gene: MSH3 (mutS homolog 3; plus strand). Cytogenetic location: 5q14.1.
Variant type: single nucleotide variant.
Coding change: c.3128C>T on transcript NM_002439.5 (MANE Select); coding-DNA position 3128, C replaced by T.
Protein change: p.Pro1043Leu; replaces proline 1043 with leucine.
Molecular consequence: missense variant.
Genome position (GRCh38, 1-based): chr5:80,864,940, C>T. VCF-style: chr5-80864940-C-T. GRCh37 (hg19) VCF-style: chr5-80160759-C-T.
Other names: short protein forms P1043L.
Identifiers: ClinVar variation 936511 (VCV000936511.14), dbSNP rs1268866296, ClinGen allele CA360346522.

ClinVar aggregate classification (germline): Uncertain significance. Review status: criteria provided, multiple submitters, no conflicts (2 of 4 stars). 3 submissions from 3 submitters: Uncertain significance (3). Last evaluated 2026-01-28.

Conditions:
Endometrial carcinoma. Also called: Endometrial carcinoma, somatic. Identifiers: MedGen C0476089, MONDO:0002447, OMIM 608089, HP:0012114.
Hereditary cancer-predisposing syndrome. Also called: Tumor predisposition; Hereditary neoplastic syndrome; Hereditary Cancer Syndrome; Neoplastic Syndromes, Hereditary. Identifiers: Orphanet 140162, MedGen C0027672, MeSH D009386, MONDO:0015356.

Allele frequency attached by ClinVar (database versions not stated): gnomAD exomes below 0.00001; TOPMed below 0.00001; gnomAD 0.00001.
gnomAD v4.1: 6 of 1,613,670 alleles (0.00037%); highest among the groups gnomAD compares: African/African-American, 0.004%; no homozygotes.

Submissions (4):

Labcorp Genetics (formerly Invitae), Labcorp
Classification: Uncertain significance. Last evaluated: 2026-01-28. Review status: criteria provided, single submitter. Criteria: Invitae Variant Classification Sherloc (09022015). Collection method: clinical testing. Allele origin: germline.
Comment: This sequence change replaces proline, which is neutral and non-polar, with leucine, which is neutral and non-polar, at codon 1043 of the MSH3 protein (p.Pro1043Leu). This variant is not present in population databases (gnomAD no frequency). This variant has not been reported in the literature in individuals affected with MSH3-related conditions. ClinVar contains an entry for this variant (Variation ID: 936511). An algorithm developed to predict the effect of missense changes on protein structure and function (PolyPhen-2) suggests that this variant is likely to be tolerated. In summary, the available evidence is currently insufficient to determine the role of this variant in disease. Therefore, it has been classified as a Variant of Uncertain Significance.

Ambry Genetics
Classification: Uncertain significance for Hereditary cancer-predisposing syndrome. Last evaluated: 2023-12-14. Review status: criteria provided, single submitter. Criteria: Ambry Variant Classification Scheme 2023. Collection method: clinical testing. Allele origin: germline.
Comment: The p.P1043L variant (also known as c.3128C>T), located in coding exon 22 of the MSH3 gene, results from a C to T substitution at nucleotide position 3128. The proline at codon 1043 is replaced by leucine, an amino acid with similar properties. This amino acid position is poorly conserved in available vertebrate species. In addition, this alteration is predicted to be tolerated by in silico analysis. Since supporting evidence is limited at this time, the clinical significance of this alteration remains unclear.

Baylor Genetics
Classification: Uncertain significance for Endometrial carcinoma. Last evaluated: 2023-06-07. Review status: criteria provided, single submitter. Criteria: ACMG Guidelines, 2015. Collection method: clinical testing. Allele origin: unknown.

Dr. Peter K. Rogan Lab, Western University
No classification provided (evidence only). Condition: Lymphoma. Review status: no classification provided. Collection method: in vitro. Allele origin: not applicable. Functional consequence: retained intron. Not counted in ClinVar's aggregate classification.